The following is an entry in ClinVar:

NM_005359.6(SMAD4):c.955G>T (p.Ala319Ser)

Gene: SMAD4 (SMAD family member 4; plus strand). Cytogenetic location: 18q21.2.
Variant type: single nucleotide variant.
Coding change: c.955G>T on transcript NM_005359.6 (MANE Select); coding-DNA position 955, G replaced by T.
Protein change: p.Ala319Ser; replaces alanine 319 with serine.
Molecular consequence: missense variant. On other transcripts: non-coding transcript variant (2).
Genome position (GRCh38, 1-based): chr18:51,059,916, G>T. VCF-style: chr18-51059916-G-T. GRCh37 (hg19) VCF-style: chr18-48586286-G-T.
Other names: c.955G>T, p.Ala319Ser (NM_001407041.1, NM_001407042.1, NM_001407043.1); short protein forms A319S.
Identifiers: ClinVar variation 4773772 (VCV004773772.1).
Genomic context (GRCh38, chr18:51,059,916, plus strand): 5'-TTTTCTTTAGGGCCTGTTCACAATGAGCTTGCATTCCAGCCTCCCATTTCCAATCATCCT[G>T]GTAAGTGTATTTCAAAATTGATTTCCTGTATTTAGATTGATTTAGTGGTGATTGAAACGC-3'
Protein context (NP_005350.1, residues 309-329): AFQPPISNHP[Ala319Ser]PEYWCSIAYF

ClinVar aggregate classification (germline): Uncertain significance (1 of 4 stars; one submission).

Conditions:
Juvenile polyposis syndrome (JPS). Identifiers: Orphanet 2929, MedGen C0345893, MONDO:0017380, OMIM 174900.

Submission:

Labcorp Genetics (formerly Invitae), Labcorp
Classification: Uncertain significance for Juvenile polyposis syndrome. Last evaluated: 2025-07-03. Review status: criteria provided, single submitter. Criteria: Invitae Variant Classification Sherloc (09022015). Collection method: clinical testing. Allele origin: germline.
Comment: This sequence change replaces alanine, which is neutral and non-polar, with serine, which is neutral and polar, at codon 319 of the SMAD4 protein (p.Ala319Ser). This variant also falls at the last nucleotide of exon 8, which is part of the consensus splice site for this exon. This variant is not present in population databases (gnomAD no frequency). This variant has not been reported in the literature in individuals affected with SMAD4-related conditions. An algorithm developed to predict the effect of missense changes on protein structure and function (PolyPhen-2) suggests that this variant is likely to be tolerated. Variants that disrupt the consensus splice site are a relatively common cause of aberrant splicing (PMID: 17576681, 9536098). In summary, the available evidence is currently insufficient to determine the role of this variant in disease. Therefore, it has been classified as a Variant of Uncertain Significance.

Literature cited by the submitters: PubMed 17576681; PubMed 9536098.